The following is an entry in ClinVar:

ClinVar aggregate classification (germline): Pathogenic (1 of 4 stars; one submission).

Allele frequency attached by ClinVar (database versions not stated): gnomAD exomes below 0.00001.
gnomAD v4.1: 2 of 1,614,206 alleles (0.00012%); highest among the groups gnomAD compares: Non-Finnish European, 0.00017%; no homozygotes.

Submission:

Labcorp Genetics (formerly Invitae), Labcorp
Classification: Pathogenic. Last evaluated: 2024-01-31. Review status: criteria provided, single submitter. Criteria: Invitae Variant Classification Sherloc (09022015). Collection method: clinical testing. Allele origin: germline.
Comment: This sequence change creates a premature translational stop signal (p.Tyr565*) in the ABCC2 gene. It is expected to result in an absent or disrupted protein product. Loss-of-function variants in ABCC2 are known to be pathogenic (PMID: 9185779, 16549534, 16952291). This variant is not present in population databases (gnomAD no frequency). This premature translational stop signal has been observed in individual(s) with Dubin-Johnson syndrome (PMID: 31544333). Algorithms developed to predict the effect of sequence changes on RNA splicing suggest that this variant may disrupt the consensus splice site. For these reasons, this variant has been classified as Pathogenic.

Literature cited by the submitters: PubMed 9185779; PubMed 16549534; PubMed 16952291; PubMed 31544333.

NM_000392.5(ABCC2):c.1695T>G (p.Tyr565Ter)

Gene: ABCC2 (ATP binding cassette subfamily C member 2; plus strand). Cytogenetic location: 10q24.2.
Variant type: single nucleotide variant.
Coding change: c.1695T>G on transcript NM_000392.5 (MANE Select); coding-DNA position 1695, T replaced by G.
Protein change: p.Tyr565Ter; replaces tyrosine 565 with a stop codon.
Molecular consequence: nonsense.
Genome position (GRCh38, 1-based): chr10:99,808,109, T>G. VCF-style: chr10-99808109-T-G. GRCh37 (hg19) VCF-style: chr10-101567866-T-G.
Other names: short protein forms Y565*.
Identifiers: ClinVar variation 2972669 (VCV002972669.3), dbSNP rs2492905074, ClinGen allele CA378110894.